The following is an entry in ClinVar:

NM_001165963.4(SCN1A):c.1738C>G (p.Arg580Gly)

Gene: SCN1A (sodium voltage-gated channel alpha subunit 1; minus strand). Cytogenetic location: 2q24.3.
Variant type: single nucleotide variant.
Coding change: c.1738C>G on transcript NM_001165963.4 (MANE Select); coding-DNA position 1738, C replaced by G.
Protein change: p.Arg580Gly; replaces arginine 580 with glycine.
Molecular consequence: missense variant. On other transcripts: 5 prime UTR variant (1), non-coding transcript variant (1).
Genome position (GRCh38, 1-based): chr2:166,043,974, G>C on the plus strand (C>G on the coding strand, the complement: SCN1A is on the minus strand). VCF-style: chr2-166043974-G-C. GRCh37 (hg19) VCF-style: chr2-166900484-G-C.
Other names: c.1738C>G, p.Arg580Gly (NM_001165964.3, NM_001202435.3, NM_001353948.2 and 7 more transcripts); c.1735C>G, p.Arg579Gly (NM_001353954.2, NM_001353955.2, NM_001353960.2); c.-688C>G (NM_001353961.2); short protein forms R579G, R580G.
Identifiers: ClinVar variation 3340832 (VCV003340832.2).

ClinVar aggregate classification (germline): Uncertain significance. Review status: criteria provided, multiple submitters, no conflicts (2 of 4 stars). 2 submissions from 2 submitters: Uncertain significance (2). Last evaluated 2023-07-14.

gnomAD v4.1: 17 of 1,614,068 alleles (0.0011%); highest among the groups gnomAD compares: Non-Finnish European, 0.0014%; no homozygotes.

Submissions (2):

GeneDx
Classification: Uncertain significance. Last evaluated: 2023-07-14. Review status: criteria provided, single submitter. Criteria: GeneDx Variant Classification Process June 2021. Collection method: clinical testing. Allele origin: germline. Affected: yes.
Comment: Not observed at significant frequency in large population cohorts (gnomAD); Missense variants in this gene are often considered pathogenic (HGMD); In silico analysis supports that this missense variant has a deleterious effect on protein structure/function; This substitution is predicted to be within the N-terminal cytoplasmic domain; Observed in the heterozygous state in an individual with younger-onset apparently sporadic small vessel disease stroke (Tan et al., 2019); however, no further clinical information was provided; This variant is associated with the following publications: (PMID: 31719132)

Blueprint Genetics
Classification: Uncertain significance. Last evaluated: 2022-11-22. Review status: criteria provided, single submitter. Criteria: ACMG Guidelines, 2015. Collection method: clinical testing. Allele origin: germline.